The following is an entry in ClinVar:

NM_000321.3(RB1):c.1206C>T (p.Ser402=)

Gene: RB1 (RB transcriptional corepressor 1; plus strand). Cytogenetic location: 13q14.2.
Variant type: single nucleotide variant.
Coding change: c.1206C>T on transcript NM_000321.3 (MANE Select); coding-DNA position 1206, C replaced by T.
Protein change: p.Ser402=; no amino-acid change (serine 402 retained).
Molecular consequence: synonymous variant.
Genome position (GRCh38, 1-based): chr13:48,373,483, C>T. VCF-style: chr13-48373483-C-T. GRCh37 (hg19) VCF-style: chr13-48947619-C-T.
Other names: c.1206C>T (NM_000321.2).
Identifiers: ClinVar variation 995890 (VCV000995890.10), dbSNP rs752679968, ClinGen allele CA027808.

ClinVar aggregate classification (germline): Conflicting classifications of pathogenicity. Review status: criteria provided, conflicting classifications (1 of 4 stars). 6 submissions from 6 submitters: Likely pathogenic (2); Uncertain significance (4). Last evaluated 2024-05-20.

Conditions:
Hereditary cancer-predisposing syndrome. Also called: Neoplastic Syndromes, Hereditary; Hereditary Cancer Syndrome; Tumor predisposition; Hereditary neoplastic syndrome. Identifiers: Orphanet 140162, MedGen C0027672, MeSH D009386, MONDO:0015356.
Retinoblastoma (RB1). Also called: RETINOBLASTOMA, SOMATIC. Identifiers: Orphanet 790, MedGen C0035335, MeSH D012175, MONDO:0008380, OMIM 180200, HP:0009919. Disease mechanism: loss of function. Inheritance: Both sporadic and heritable forms are tested..
Malignant tumor of urinary bladder. Also called: Urinary Bladder Neoplasms; Bladder cancer; Urinary bladder cancer. Identifiers: MedGen C0005684, MONDO:0001187, OMIM 109800.
Bone osteosarcoma. Also called: Osteosarcoma, somatic. Identifiers: Orphanet 668, MedGen C0585442, MONDO:0002629, OMIM 259500.
Small cell lung carcinoma. Also called: Lung oat cell carcinoma; SMALL CELL CANCER OF THE LUNG, SOMATIC; Small cell lung cancer. Identifiers: Orphanet 70573, MedGen C0149925, MeSH D055752, MONDO:0008433, OMIM 182280, HP:0030357.

Allele frequency attached by ClinVar (database versions not stated): gnomAD 0.00001; gnomAD exomes 0.00001; ExAC 0.00002.
gnomAD v4.1: 11 of 1,566,696 alleles (0.0007%); highest among the groups gnomAD compares: South Asian, 0.012%; no homozygotes.

Submissions (6):

Genetic Diagnostic Laboratory, University of Pennsylvania School of Medicine
Classification: Uncertain significance for Retinoblastoma. Last evaluated: 2024-05-20. Review status: criteria provided, single submitter. Criteria: ACMG Guidelines, 2015. Collection method: clinical testing. Allele origin: germline. Affected: yes. Observed: 1 variant allele.
Comment: Case and Pedigree Information: BILATERAL CASES:0, UNILATERAL CASES:1, TOTAL CASES:1, PEDIGREES:1. ACMG Codes Applied:

Fulgent Genetics
Classification: Uncertain significance for Malignant tumor of urinary bladder; Retinoblastoma; Small cell lung carcinoma; Bone osteosarcoma. Last evaluated: 2024-01-02. Review status: criteria provided, single submitter. Criteria: ACMG Guidelines, 2015. Collection method: clinical testing. Allele origin: germline.

Labcorp Genetics (formerly Invitae), Labcorp
Classification: Uncertain significance for Retinoblastoma. Last evaluated: 2023-10-06. Review status: criteria provided, single submitter. Criteria: Invitae Variant Classification Sherloc (09022015). Collection method: clinical testing. Allele origin: germline.
Comment: This sequence change affects codon 402 of the RB1 mRNA. It is a 'silent' change, meaning that it does not change the encoded amino acid sequence of the RB1 protein. This variant is present in population databases (rs752679968, gnomAD 0.01%). This variant has been observed in individual(s) with retinoblastoma (PMID: 21763628, 34308366). ClinVar contains an entry for this variant (Variation ID: 995890). Studies have shown that this variant is associated with altered splicing resulting in multiple RNA products (PMID: 21763628). In summary, the available evidence is currently insufficient to determine the role of this variant in disease. Therefore, it has been classified as a Variant of Uncertain Significance.

Ambry Genetics
Classification: Uncertain significance for Hereditary cancer-predisposing syndrome. Last evaluated: 2023-09-20. Review status: criteria provided, single submitter. Criteria: Ambry Variant Classification Scheme 2023. Collection method: clinical testing. Allele origin: germline.
Comment: The c.1206C>T variant (also known as p.S402S), located in coding exon 12 of the RB1 gene, results from a C to T substitution at nucleotide position 1206. This nucleotide substitution does not change the at codon 402. This alteration has been observed in probands with unilateral retinoblastoma (Ahani A et al. Cancer Genet, 2011 Jun;204:316-22; Lan X et al. Front Genet, 2020 Mar;11:142; Fiala EM et al. Nat Cancer, 2021 Mar;2:357-365). RNA analysis showed this alteration resulted in a transcript that removed exon 12 (Ahani A et al. Cancer Genet, 2011 Jun;204:316-22). This nucleotide position is not well conserved in available vertebrate species. In silico splice site analysis predicts that this alteration will not have any significant effect on splicing. Since supporting evidence is limited at this time, the clinical significance of this alteration remains unclear.

Laboratory for Molecular Medicine, Mass General Brigham Personalized Medicine
Classification: Likely pathogenic for Retinoblastoma. Last evaluated: 2022-08-26. Review status: criteria provided, single submitter. Criteria: ACMG Guidelines, 2015. Collection method: clinical testing. Allele origin: germline.
Comment: The p.Ser402Ser (c.1206C>T) variant in RB1 has been reported in at least 2 individuals with retinoblastoma (Ahani 2011 PMID: 21763628, Fiala 2021 PMID: 34308366) and in ClinVar (Variation ID 995890). It has been identified in 2/4830 of South Asian chromosomes by gnomAD. Functional assays using patient mRNA show exon skipping of exon 12 (Ahani 2011 PMID: 21763628) and loss of heterozygosity in the tumor (Fiala 2021 PMID: 34308366). Loss of function of the RB1 gene is an established disease mechanism in autosomal dominant retinoblastoma. In summary, although additional studies are required to fully establish its clinical significance, this variant meets criteria to be classified as likely pathogenic for autosomal dominant retinoblastoma. ACMG/AMP Criteria applied: PM2_Supporting, PS4_Supporting, PS3.

Department of Pediatrics, Memorial Sloan Kettering Cancer Center
Classification: Likely pathogenic for Retinoblastoma. Last evaluated: 2020-12-15. Review status: criteria provided, single submitter. Criteria: ACMG Guidelines, 2015. Collection method: research. Allele origin: germline. Affected: yes.

Literature cited by the submitters: PubMed 21763628 (cited by Labcorp Genetics (formerly Invitae), Labcorp and Ambry Genetics); PubMed 34308366 (cited by Labcorp Genetics (formerly Invitae), Labcorp and Ambry Genetics); PubMed 32218800 (cited by Ambry Genetics); PubMed 28873162 (cited by Department of Pediatrics, Memorial Sloan Kettering Cancer Center).